The following is an entry in ClinVar:

ClinVar aggregate classification (germline): Uncertain significance. Review status: criteria provided, multiple submitters, no conflicts (2 of 4 stars). 4 submissions from 4 submitters: Uncertain significance (4). Last evaluated 2025-12-29.

Conditions:
Colorectal cancer, hereditary nonpolyposis, type 7. Identifiers: Orphanet 144, MedGen C1858380, MONDO:0013725, OMIM 614385.

Allele frequency attached by ClinVar (database versions not stated): gnomAD below 0.00001 and 0.00001; ExAC 0.00002; gnomAD exomes 0.00002.
gnomAD v4.1: 11 of 1,613,904 alleles (0.00068%); highest among the groups gnomAD compares: South Asian, 0.011%; no homozygotes.

Submissions (4):

Center for Genomic Medicine, Rigshospitalet, Copenhagen University Hospital
Classification: Uncertain significance. Last evaluated: 2025-12-29. Review status: criteria provided, single submitter. Criteria: ACMG Guidelines, 2015. Collection method: clinical testing. Allele origin: germline.

Labcorp Genetics (formerly Invitae), Labcorp
Classification: Uncertain significance for Colorectal cancer, hereditary nonpolyposis, type 7. Last evaluated: 2025-10-13. Review status: criteria provided, single submitter. Criteria: Invitae Variant Classification Sherloc (09022015). Collection method: clinical testing. Allele origin: germline.
Comment: This sequence change replaces histidine, which is basic and polar, with arginine, which is basic and polar, at codon 494 of the MLH3 protein (p.His494Arg). This variant is present in population databases (rs760778201, gnomAD 0.02%). This variant has not been reported in the literature in individuals affected with MLH3-related conditions. ClinVar contains an entry for this variant (Variation ID: 884295). An algorithm developed to predict the effect of missense changes on protein structure and function outputs the following: PolyPhen-2: "Benign". The arginine amino acid residue is found in multiple mammalian species, which suggests that this missense change does not adversely affect protein function. In summary, the available evidence is currently insufficient to determine the role of this variant in disease. Therefore, it has been classified as a Variant of Uncertain Significance.

Ambry Genetics
Classification: Uncertain significance. Last evaluated: 2024-03-19. Review status: criteria provided, single submitter. Criteria: Ambry Variant Classification Scheme 2023. Collection method: clinical testing. Allele origin: germline.
Comment: The p.H494R variant (also known as c.1481A>G), located in coding exon 1 of the MLH3 gene, results from an A to G substitution at nucleotide position 1481. The histidine at codon 494 is replaced by arginine, an amino acid with highly similar properties. This amino acid position is conserved. In addition, this alteration is predicted to be tolerated by in silico analysis. Based on the available evidence, the clinical significance of this alteration remains unclear.

Illumina Laboratory Services, Illumina
Classification: Uncertain significance for Colorectal cancer, hereditary nonpolyposis, type 7. Last evaluated: 2018-01-12. Review status: criteria provided, single submitter. Criteria: ICSL Variant Classification Criteria 13 December 2019. Collection method: clinical testing. Allele origin: germline.

NM_001040108.2(MLH3):c.1481A>G (p.His494Arg)

Gene: MLH3 (mutL homolog 3; minus strand). Cytogenetic location: 14q24.3.
Variant type: single nucleotide variant.
Coding change: c.1481A>G on transcript NM_001040108.2 (MANE Select); coding-DNA position 1481, A replaced by G.
Protein change: p.His494Arg; replaces histidine 494 with arginine.
Molecular consequence: missense variant.
Genome position (GRCh38, 1-based): chr14:75,048,175, T>C on the plus strand (A>G on the coding strand, the complement: MLH3 is on the minus strand). VCF-style: chr14-75048175-T-C. GRCh37 (hg19) VCF-style: chr14-75514878-T-C.
Other names: c.1481A>G, p.His494Arg (NM_014381.3); short protein forms H494R.
Identifiers: ClinVar variation 884295 (VCV000884295.7), dbSNP rs760778201, ClinGen allele CA7275866.